The following is an entry in ClinVar:

NM_001281740.3(FHOD3):c.2542C>T (p.Pro848Ser)

Gene: FHOD3 (formin homology 2 domain containing 3; plus strand). Cytogenetic location: 18q12.2.
Variant type: single nucleotide variant.
Coding change: c.2542C>T on transcript NM_001281740.3 (MANE Select); coding-DNA position 2542, C replaced by T.
Protein change: p.Pro848Ser; replaces proline 848 with serine.
Molecular consequence: missense variant.
Genome position (GRCh38, 1-based): chr18:36,717,840, C>T. VCF-style: chr18-36717840-C-T. GRCh37 (hg19) VCF-style: chr18-34297803-C-T.
Other names: c.2542C>T (NM_001281740.2); c.1966C>T, p.Pro656Ser (NM_001281739.3); c.2017C>T, p.Pro673Ser (NM_025135.5); short protein forms P656S, P673S, P848S.
Identifiers: ClinVar variation 4257561 (VCV004257561.2).

ClinVar aggregate classification (germline): Conflicting classifications of pathogenicity. Review status: criteria provided, conflicting classifications (1 of 4 stars). 2 submissions from 2 submitters: Uncertain significance (1); Likely benign (1). Last evaluated 2025-09-08.

Conditions:
Inborn genetic diseases. Identifiers: MedGen C0950123, MeSH D030342.
FHOD3-related disorder. Also called: FHOD3-related condition.

gnomAD v4.1: 8 of 1,569,964 alleles (0.00051%); highest among the groups gnomAD compares: Non-Finnish European, 0.00069%; no homozygotes.

Submissions (2):

PreventionGenetics, part of Exact Sciences
Classification: Uncertain significance for FHOD3-related condition. Last evaluated: 2025-09-08. Review status: criteria provided, single submitter. Criteria: ACMG Guidelines, 2015. Collection method: clinical testing. Allele origin: germline.
Comment: The FHOD3 c.2542C>T variant is predicted to result in the amino acid substitution p.Pro848Ser. To our knowledge, this variant has not been reported in the literature. This variant is reported in 0.0041% of alleles in individuals of African descent in gnomAD. At this time, the clinical significance of this variant is uncertain due to the absence of conclusive functional and genetic evidence.

Ambry Genetics
Classification: Likely benign for Inborn genetic diseases. Last evaluated: 2025-08-21. Review status: criteria provided, single submitter. Criteria: Ambry Variant Classification Scheme 2023. Collection method: clinical testing. Allele origin: germline.